The following is an entry in ClinVar:

ClinVar aggregate classification (germline): Uncertain significance. Review status: criteria provided, multiple submitters, no conflicts (2 of 4 stars). 2 submissions from 2 submitters: Uncertain significance (2). Last evaluated 2025-02-13.

Conditions:
Neurofibromatosis, type 1 (NF1). Also called: Peripheral type neurofibromatosis; Neurofibromatosis, type I; VON RECKLINGHAUSEN DISEASE; NEUROFIBROMATOSIS, TYPE I, SOMATIC. Identifiers: Orphanet 636, MedGen C0027831, MONDO:0018975, OMIM 162200. Disease mechanism: loss of function.
Hereditary cancer-predisposing syndrome. Also called: Neoplastic Syndromes, Hereditary; Hereditary neoplastic syndrome; Hereditary Cancer Syndrome; Tumor predisposition. Identifiers: Orphanet 140162, MedGen C0027672, MeSH D009386, MONDO:0015356.
Cardiovascular phenotype. Identifiers: MedGen CN230736.

Allele frequency attached by ClinVar (database versions not stated): gnomAD exomes below 0.00001.
gnomAD v4.1: 1 of 1,594,986 alleles (0.000063%); highest among the groups gnomAD compares: Non-Finnish European, 0.000086%; no homozygotes.

Submissions (2):

Ambry Genetics
Classification: Uncertain significance for Cardiovascular phenotype; Hereditary cancer-predisposing syndrome. Last evaluated: 2025-02-13. Review status: criteria provided, single submitter. Criteria: Ambry Variant Classification Scheme 2023. Collection method: clinical testing. Allele origin: germline.
Comment: The p.R1456G variant (also known as c.4366A>G), located in coding exon 32 of the NF1 gene, results from an A to G substitution at nucleotide position 4366. The arginine at codon 1456 is replaced by glycine, an amino acid with dissimilar properties. This amino acid position is conserved. In addition, this alteration is predicted to be deleterious by in silico analysis. Based on the available evidence, the clinical significance of this variant remains unclear.

Labcorp Genetics (formerly Invitae), Labcorp
Classification: Uncertain significance for Neurofibromatosis, type 1. Last evaluated: 2024-08-27. Review status: criteria provided, single submitter. Criteria: Invitae Variant Classification Sherloc (09022015). Collection method: clinical testing. Allele origin: germline.
Comment: This sequence change replaces arginine, which is basic and polar, with glycine, which is neutral and non-polar, at codon 1456 of the NF1 protein (p.Arg1456Gly). This variant is not present in population databases (gnomAD no frequency). This variant has not been reported in the literature in individuals affected with NF1-related conditions. ClinVar contains an entry for this variant (Variation ID: 947841). An algorithm developed to predict the effect of missense changes on protein structure and function (PolyPhen-2) suggests that this variant is likely to be disruptive. In summary, the available evidence is currently insufficient to determine the role of this variant in disease. Therefore, it has been classified as a Variant of Uncertain Significance.

NM_001042492.3(NF1):c.4429A>G (p.Arg1477Gly)

Gene: NF1 (neurofibromin 1; plus strand). Cytogenetic location: 17q11.2.
Variant type: single nucleotide variant.
Coding change: c.4429A>G on transcript NM_001042492.3 (MANE Select); coding-DNA position 4429, A replaced by G.
Protein change: p.Arg1477Gly; replaces arginine 1477 with glycine.
Molecular consequence: missense variant.
Genome position (GRCh38, 1-based): chr17:31,259,128, A>G. VCF-style: chr17-31259128-A-G. GRCh37 (hg19) VCF-style: chr17-29586146-A-G.
Other names: c.4366A>G, p.Arg1456Gly (NM_000267.4); short protein forms R1456G, R1477G.
Identifiers: ClinVar variation 947841 (VCV000947841.7), dbSNP rs2067640173, ClinGen allele CA398999012.
Genomic context (GRCh38, chr17:31,259,128, plus strand): 5'-AAAGAAGAACATATGCGGCCTTTCAATGATTTTGTGAAAAGCAACTTTGATGCAGCACGC[A>G]GGTAATTTTCTTGCCACTTACTCAGTTGCTCTGTTTGAATCAAATATTTTCGGTTTCACA-3'
Protein context (NP_001035957.1, residues 1467-1487): FVKSNFDAAR[Arg1477Gly]FFLDIASDCP